The following is an entry in ClinVar:

NM_000136.3(FANCC):c.26C>A (p.Ser9Tyr)

Gene: FANCC (FA complementation group C; minus strand). Cytogenetic location: 9q22.32.
Variant type: single nucleotide variant.
Coding change: c.26C>A on transcript NM_000136.3 (MANE Select); coding-DNA position 26, C replaced by A.
Protein change: p.Ser9Tyr; replaces serine 9 with tyrosine.
Molecular consequence: missense variant.
Genome position (GRCh38, 1-based): chr9:95,249,266, G>T on the plus strand (C>A on the coding strand, the complement: FANCC is on the minus strand). VCF-style: chr9-95249266-G-T. GRCh37 (hg19) VCF-style: chr9-98011548-G-T.
Other names: c.26C>A, p.Ser9Tyr (NM_001243743.2, NM_001243744.2); short protein forms S9Y.
Identifiers: ClinVar variation 1794897 (VCV001794897.2), dbSNP rs767124692, ClinGen allele CA374340501.

ClinVar aggregate classification (germline): Uncertain significance (1 of 4 stars; one submission).

Conditions:
Hereditary cancer-predisposing syndrome. Also called: Tumor predisposition; Hereditary Cancer Syndrome; Neoplastic Syndromes, Hereditary; Hereditary neoplastic syndrome. Identifiers: Orphanet 140162, MedGen C0027672, MeSH D009386, MONDO:0015356.

Submission:

Ambry Genetics
Classification: Uncertain significance for Hereditary cancer-predisposing syndrome. Last evaluated: 2021-08-21. Review status: criteria provided, single submitter. Criteria: Ambry Variant Classification Scheme 2023. Collection method: clinical testing. Allele origin: germline.
Comment: The p.S9Y variant (also known as c.26C>A), located in coding exon 1 of the FANCC gene, results from a C to A substitution at nucleotide position 26. The serine at codon 9 is replaced by tyrosine, an amino acid with dissimilar properties. This amino acid position is conserved. In addition, this alteration is predicted to be tolerated by in silico analysis. Since supporting evidence is limited at this time, the clinical significance of this alteration remains unclear.